The following is an entry in ClinVar:

ClinVar aggregate classification (germline): Uncertain significance. Review status: criteria provided, multiple submitters, no conflicts (2 of 4 stars). 2 submissions from 2 submitters: Uncertain significance (2). Last evaluated 2023-04-27.

Conditions:
Hereditary cancer-predisposing syndrome. Also called: Neoplastic Syndromes, Hereditary; Tumor predisposition; Hereditary Cancer Syndrome; Hereditary neoplastic syndrome. Identifiers: Orphanet 140162, MedGen C0027672, MeSH D009386, MONDO:0015356.

Submissions (2):

Genetic Services Laboratory, University of Chicago
Classification: Uncertain significance. Last evaluated: 2023-04-27. Review status: criteria provided, single submitter. Criteria: ACMG Guidelines, 2015. Collection method: clinical testing. Allele origin: germline. Affected: no.
Comment: DNA sequence analysis of the PMS2 gene demonstrated a sequence change, c.681C>G, in exon 6 that results in an amino acid change, p.Ile227Met. This sequence change does not appear to have been previously described in individuals with PMS2-related disorders and has also not been described in population databases such as ExAC and gnomAD. The p.Ile227Met change affects a moderately conserved amino acid residue located in a domain of the PMS2 protein that is known to be functional. In-silico pathogenicity prediction tools (SIFT, PolyPhen2, Align GVGD, REVEL) provide contradictory results for the p.Ile227Met substitution. Due to insufficient evidences and the lack of functional studies, the clinical significance of the p.Ile227Met change remains unknown at this time.

Ambry Genetics
Classification: Uncertain significance for Hereditary cancer-predisposing syndrome. Last evaluated: 2022-04-26. Review status: criteria provided, single submitter. Criteria: Ambry Variant Classification Scheme 2023. Collection method: clinical testing. Allele origin: germline.
Comment: The p.I227M variant (also known as c.681C>G), located in coding exon 6 of the PMS2 gene, results from a C to G substitution at nucleotide position 681. The isoleucine at codon 227 is replaced by methionine, an amino acid with highly similar properties. This amino acid position is conserved. In addition, this alteration is predicted to be deleterious by in silico analysis. Since supporting evidence is limited at this time, the clinical significance of this alteration remains unclear.

NM_000535.7(PMS2):c.681C>G (p.Ile227Met)

Gene: PMS2 (PMS1 homolog 2, mismatch repair system component; minus strand). Cytogenetic location: 7p22.1.
Variant type: single nucleotide variant.
Coding change: c.681C>G on transcript NM_000535.7 (MANE Select); coding-DNA position 681, C replaced by G.
Protein change: p.Ile227Met; replaces isoleucine 227 with methionine.
Molecular consequence: missense variant. On other transcripts: 5 prime UTR variant (2), non-coding transcript variant (1), intron variant (1).
Genome position (GRCh38, 1-based): chr7:5,999,132, G>C on the plus strand (C>G on the coding strand, the complement: PMS2 is on the minus strand). VCF-style: chr7-5999132-G-C. GRCh37 (hg19) VCF-style: chr7-6038763-G-C.
Other names: c.276C>G, p.Ile92Met (NM_001018040.1, NM_001322003.2, NM_001322004.2 and 20 more transcripts); c.681C>G, p.Ile227Met (NM_001322006.2, NM_001322014.2, NM_001406870.1 and 4 more transcripts); c.363C>G, p.Ile121Met (NM_001322007.2, NM_001322008.2, NM_001406876.1 and 4 more transcripts); c.-253C>G (NM_001322011.2, NM_001322012.2); c.372C>G, p.Ile124Met (NM_001322015.2, NM_001406875.1, NM_001406877.1 and 6 more transcripts); c.867C>G, p.Ile289Met (NM_001406866.1); c.705C>G, p.Ile235Met (NM_001406868.1); c.345C>G, p.Ile115Met (NM_001406885.1); and 2 more; short protein forms I121M, I227M, I289M, I124M, I115M, I235M, I92M.
Identifiers: ClinVar variation 1755607 (VCV001755607.4), dbSNP rs188813057, ClinGen allele CA366743856.